The following is an entry in ClinVar:

ClinVar aggregate classification (germline): Conflicting classifications of pathogenicity. Review status: criteria provided, conflicting classifications (1 of 4 stars). 9 submissions from 9 submitters: Likely pathogenic (2); Uncertain significance (4); Likely benign (1). 2 of the submissions do not count toward it. Last evaluated 2026-01-21.

Conditions:
IGLL1-related condition.
Agammaglobulinemia 2, autosomal recessive (AGM2). Also called: AGAMMAGLOBULINEMIA, AUTOSOMAL RECESSIVE, DUE TO IGLL1 DEFECT. Identifiers: MedGen C3150750, MONDO:0013287, OMIM 613500.

Allele frequency attached by ClinVar (database versions not stated): ExAC 0.00021; gnomAD exomes 0.00030; 1000 Genomes Project 0.00040; 1000 Genomes Project 30x 0.00047; gnomAD 0.00102 and 0.00104.

Submissions (9):

Labcorp Genetics (formerly Invitae), Labcorp
Classification: Uncertain significance for Agammaglobulinemia 2, autosomal recessive. Last evaluated: 2026-01-21. Review status: criteria provided, single submitter. Criteria: Invitae Variant Classification Sherloc (09022015). Collection method: clinical testing. Allele origin: germline.
Comment: This sequence change replaces proline, which is neutral and non-polar, with leucine, which is neutral and non-polar, at codon 142 of the IGLL1 protein (p.Pro142Leu). This variant is present in population databases (rs1064422, gnomAD 0.07%), and has an allele count higher than expected for a pathogenic variant. This missense change has been observed in individual(s) with B-cell deficiency and hypogammaglobulinemia (PMID: 9419212). ClinVar contains an entry for this variant (Variation ID: 14825). An algorithm developed to predict the effect of missense changes on protein structure and function (PolyPhen-2) suggests that this variant is likely to be disruptive. In summary, the available evidence is currently insufficient to determine the role of this variant in disease. Therefore, it has been classified as a Variant of Uncertain Significance.

Dasa
Classification: Uncertain significance. Last evaluated: 2025-09-19. Review status: criteria provided, single submitter. Criteria: DASA Assertion Criteria. Collection method: clinical testing. Allele origin: germline.
Comment: NM_020070.4(IGLL1):c.425C>T (p.Pro142Leu) is a missense variant that results in the substitution of proline with leucine. This variant has been recurrently observed in individuals with IGLL1-related disorders (PMID: 33178177; PMID: 9419212). Functional evidence supports an impact on the gene or gene product (PMID: 33178177; PMID: 9419212). Also, this variant is rare in population databases. The currently available literature and clinical evidence are not sufficient to establish a definitive association between this variant and the reported condition. Therefore, this variant is classified as a variant of uncertain significance.

Laboratory of Hereditary Immune Disorders, Research Centre for Medical Genetics
Classification: Likely pathogenic for Agammaglobulinemia 2, autosomal recessive. Last evaluated: 2023-12-02. Review status: criteria provided, single submitter. Criteria: ACMG Guidelines, 2015. Collection method: clinical testing. Allele origin: biparental. Inheritance: Autosomal recessive inheritance. Affected: yes. Observed: 1 homozygote.
Comment: This variant has been previously reported in the literature (PMID: 9419212) and is listed in gnomAD v2.1.1 117 times, never in homozygous state. The affected amino acid position is evolutionarily conserved, and multiple in silico prediction tools support a deleterious effect. Taken together, the variant meets the following ACMG/AMP criteria and can be classified as likely pathogenic with PM2, PS1, PP4, PP5 criteria.

CeGaT Center for Human Genetics Tuebingen
Classification: Likely benign. Last evaluated: 2023-10-01. Review status: criteria provided, single submitter. Criteria: CeGaT Center For Human Genetics Tuebingen Variant Classification Criteria Version 2. Collection method: clinical testing. Allele origin: germline. Affected: yes. Observed: 1 variant allele.
Comment: IGLL1: BP4

Department of Pathology and Laboratory Medicine, Sinai Health System
Classification: Uncertain significance for Agammaglobulinemia 2, autosomal recessive. Last evaluated: 2023-02-24. Review status: criteria provided, single submitter. Criteria: ACMG Guidelines, 2015. Collection method: research. Allele origin: germline.

Genomic Research Center, Shahid Beheshti University of Medical Sciences
Classification: Uncertain significance. Last evaluated: 2020-05-03. Review status: criteria provided, single submitter. Criteria: ACMG Guidelines, 2015. Collection method: clinical testing. Allele origin: unknown. Affected: no.

ARUP Laboratories, Molecular Genetics and Genomics, ARUP Laboratories
Classification: Likely pathogenic. Last evaluated: 2018-04-01. Review status: criteria provided, single submitter. Criteria: ARUP Molecular Germline Variant Investigation Process. Collection method: clinical testing. Allele origin: germline.
Comment: The IGLL1 c.425C>T; p.Pro142Leu variant (rs1064422, ClinVar variant ID 14825) has been found in two patients with agammaglobulinemia and severely reduced B cell levels; one patient was a compound heterozygote, with a premature stop codon on the other chromosome (Minegishi 1998), and the other was a homozygote (Gemayel 2016). Both patientsâ€™ IGLL1 genes contained several variants that match the sequence of the highly homologous pseudogene IGLL3P, suggesting the possibility of gene conversion events. Functional studies found that the mutant protein appeared to fold incorrectly and it was not secreted by transfected cells (Minegishi 1998). This variant is listed in the genome Aggregation Database (gnomAD) with a non-Finnish European population frequency of 0.07% (identified on 85 out of 126,310 chromosomes). The proline at position 142 is highly conserved, considering 12 species, and computational analyses of the effects of the p.Pro142Leu variant on protein structure and function predict a deleterious effect (SIFT: damaging, PolyPhen-2: probably damaging). Based on the available information, the p.Pro142Leu variant is likely to be pathogenic.

PreventionGenetics, part of Exact Sciences
Classification: Uncertain significance for IGLL1-related condition. Last evaluated: 2024-09-11. Review status: no assertion criteria provided. Collection method: clinical testing. Allele origin: germline. Not counted in ClinVar's aggregate classification.
Comment: The IGLL1 c.425C>T variant is predicted to result in the amino acid substitution p.Pro142Leu. This variant was reported in two individuals with primary immunodeficiency, one of which was homozygous, and the other of which had a nonsense variant in trans (Giżewska et al. 2020. PubMed ID: 33178177; Minegishi et al. 1998. PubMed ID: 9419212). This variant is reported in 0.071% of alleles in individuals of European (Non-Finnish) descent in gnomAD. Of note, this variant has been reported in cis along with c.393T>C and c.420T>C, which correspond to reference sequence in the pseudogene and indicates a potential conversion event at this locus (Minegishi et al. 1998. PubMed ID: 9419212). Although we suspect that this variant may be pathogenic, at this time, the clinical significance of this variant is uncertain due to the absence of conclusive functional and genetic evidence.

OMIM
Classification: Pathogenic for AGAMMAGLOBULINEMIA 2, AUTOSOMAL RECESSIVE. Last evaluated: 1998-01-05. Review status: no assertion criteria provided. Collection method: literature only. Allele origin: germline. Not counted in ClinVar's aggregate classification.

Literature cited by the submitters: PubMed 9419212 (cited by 3 submitters); PubMed 33178177 (cited by Dasa); PubMed 38578360 (cited by Laboratory of Hereditary Immune Disorders, Research Centre for Medical Genetics).

NM_020070.4(IGLL1):c.425C>T (p.Pro142Leu)

Gene: IGLL1 (immunoglobulin lambda like polypeptide 1; minus strand). Cytogenetic location: 22q11.23.
Variant type: single nucleotide variant.
Coding change: c.425C>T on transcript NM_020070.4 (MANE Select); coding-DNA position 425, C replaced by T.
Protein change: p.Pro142Leu; replaces proline 142 with leucine.
Molecular consequence: missense variant. On other transcripts: 3 prime UTR variant (1).
Genome position (GRCh38, 1-based): chr22:23,573,483, G>A on the plus strand (C>T on the coding strand, the complement: IGLL1 is on the minus strand). VCF-style: chr22-23573483-G-A. GRCh37 (hg19) VCF-style: chr22-23915670-G-A.
Other names: c.428C>T, p.Pro143Leu (NM_001369906.1); c.*54C>T (NM_152855.3); short protein forms P142L, P143L.
Identifiers: ClinVar variation 14825 (VCV000014825.48), dbSNP rs1064422, ClinGen allele CA124367.
Genomic context (GRCh38, chr22:23,573,483, plus strand): 5'-ATCTCCACGCCCTGGGTGATGGGGGTACCATCTGCCTTCCAGGTCACCGTCAAGATTCCC[G>A]GATAAAAGTCATTCATGAGACACACCAGTGTAGCCTTGTTGGCTTGGAGCTCCTCAGAGG-3'
Protein context (NP_064455.1, residues 132-152): TLVCLMNDFY[Pro142Leu]GILTVTWKAD